The following is an entry in ClinVar:

ClinVar aggregate classification (germline): Pathogenic (1 of 4 stars; one submission).

Submission:

Labcorp Genetics (formerly Invitae), Labcorp
Classification: Pathogenic. Last evaluated: 2022-03-28. Review status: criteria provided, single submitter. Criteria: Invitae Variant Classification Sherloc (09022015). Collection method: clinical testing. Allele origin: germline.
Comment: For these reasons, this variant has been classified as Pathogenic. This variant disrupts a region of the LCA5 protein in which other variant(s) (p.Lys586*) have been determined to be pathogenic (PMID: 23946133, 27624628). This suggests that this is a clinically significant region of the protein, and that variants that disrupt it are likely to be disease-causing. This variant has not been reported in the literature in individuals affected with LCA5-related conditions. This variant is not present in population databases (gnomAD no frequency). This sequence change creates a premature translational stop signal (p.Glu477Alafs*16) in the LCA5 gene. While this is not anticipated to result in nonsense mediated decay, it is expected to disrupt the last 221 amino acid(s) of the LCA5 protein.

Literature cited by the submitters: PubMed 23946133; PubMed 27624628.

NM_001122769.3(LCA5):c.1430_1434del (p.Glu477fs)

Gene: LCA5 (lebercilin LCA5; minus strand). Cytogenetic location: 6q14.1.
Variant type: Deletion.
Coding change: c.1430_1434del on transcript NM_001122769.3 (MANE Select); coding-DNA positions 1430 to 1434, 5 bases deleted (AACTC; older notation c.1430_1434delAACTC).
Protein change: p.Glu477fs; shifts the reading frame from glutamic acid 477.
Molecular consequence: frameshift variant.
Genome position (GRCh38, 1-based): chr6:79,487,664-79,487,668, GAGTT deleted on the plus strand (AACTC on the coding strand, the reverse complement: LCA5 is on the minus strand). VCF-style (leftmost placement, unchanged base first): chr6-79487663-GGAGTT-G. GRCh37 (hg19) VCF-style: chr6-80197380-GGAGTT-G.
Other names: c.1430_1434del, p.Glu477fs (NM_181714.4); short protein forms E477fs.
Identifiers: ClinVar variation 2118705 (VCV002118705.4), dbSNP rs2533370135, ClinGen allele CA2578676659.